The following is an entry in ClinVar:

ClinVar aggregate classification (germline): Uncertain significance (1 of 4 stars; one submission).

Conditions:
Epilepsy, familial focal, with variable foci 3 (FFEVF3). Identifiers: MedGen C4310708, MONDO:0014925, OMIM 617118.

Allele frequency attached by ClinVar (database versions not stated): TOPMed 0.00001.

Submission:

Labcorp Genetics (formerly Invitae), Labcorp
Classification: Uncertain significance for Epilepsy, familial focal, with variable foci 3. Last evaluated: 2023-08-10. Review status: criteria provided, single submitter. Criteria: Invitae Variant Classification Sherloc (09022015). Collection method: clinical testing. Allele origin: germline.
Comment: ClinVar contains an entry for this variant (Variation ID: 1059284). In summary, the available evidence is currently insufficient to determine the role of this variant in disease. Therefore, it has been classified as a Variant of Uncertain Significance. Advanced modeling of protein sequence and biophysical properties (such as structural, functional, and spatial information, amino acid conservation, physicochemical variation, residue mobility, and thermodynamic stability) performed at Invitae indicates that this missense variant is not expected to disrupt NPRL3 protein function. This variant has not been reported in the literature in individuals affected with NPRL3-related conditions. This variant is not present in population databases (gnomAD no frequency). This sequence change replaces valine, which is neutral and non-polar, with methionine, which is neutral and non-polar, at codon 385 of the NPRL3 protein (p.Val385Met).

NM_001077350.3(NPRL3):c.1153G>A (p.Val385Met)

Genes: HBA-LCR (alpha-globin locus control region; plus strand), NPRL3 (NPR3 like, GATOR1 complex subunit; minus strand). Cytogenetic location: 16p13.3.
Variant type: single nucleotide variant.
Coding change: c.1153G>A on transcript NM_001077350.3 (MANE Select); coding-DNA position 1153, G replaced by A.
Protein change: p.Val385Met; replaces valine 385 with methionine.
Molecular consequence: missense variant.
Genome position (GRCh38, 1-based): chr16:92,604, C>T on the plus strand (G>A on the coding strand, the complement: NPRL3 is on the minus strand). VCF-style: chr16-92604-C-T. GRCh37 (hg19) VCF-style: chr16-142602-C-T.
Other names: c.616G>A, p.Val206Met (NM_001039476.3); c.919G>A, p.Val307Met (NM_001243247.2); c.1078G>A, p.Val360Met (NM_001243248.2, NM_001243249.2); short protein forms V206M, V307M, V360M, V385M.
Identifiers: ClinVar variation 1059284 (VCV001059284.9), dbSNP rs1898807118, ClinGen allele CA394052846.
Genomic context (GRCh38, chr16:92,604, plus strand): 5'-CCTATCCACTACACACCTGCCACTCTGGGCTCCTTGAGCTTCTGTGACTCACCTCCTGCA[C>T]AGCGGGGGCCAGGGGATTCCTAAATTCTGACAAGGAGACCGGCAAGGAGAACTTGGCAAG-3'
Protein context (NP_001070818.1, residues 375-395): SEFRNPLAPA[Val385Met]QETQLIQMVV